The following is an entry in ClinVar:

NM_000258.3(MYL3):c.481G>A (p.Gly161Ser)

Gene: MYL3 (myosin light chain 3; minus strand). Cytogenetic location: 3p21.31.
Variant type: single nucleotide variant.
Coding change: c.481G>A on transcript NM_000258.3 (MANE Select); coding-DNA position 481, G replaced by A.
Protein change: p.Gly161Ser; replaces glycine 161 with serine.
Molecular consequence: missense variant.
Genome position (GRCh38, 1-based): chr3:46,859,475, C>T on the plus strand (G>A on the coding strand, the complement: MYL3 is on the minus strand). VCF-style: chr3-46859475-C-T. GRCh37 (hg19) VCF-style: chr3-46900965-C-T.
Other names: c.481G>A, p.Gly161Ser (NM_001406937.1, NM_001406938.1, NM_001406939.1); c.307G>A, p.Gly103Ser (NM_001406940.1); c.307G>A, p.Glu103Lys (NM_001406941.1); short protein forms G103S, E103K, G161S.
Identifiers: ClinVar variation 2135285 (VCV002135285.4), dbSNP rs1356433667, ClinGen allele CA352495867.

ClinVar aggregate classification (germline): Uncertain significance (1 of 4 stars; one submission).

Conditions:
Hypertrophic cardiomyopathy. Also called: HYPERTROPHIC MYOCARDIOPATHY. Identifiers: Orphanet 217569, MedGen C0007194, MeSH D002312, MONDO:0005045, HP:0001639.

Allele frequency attached by ClinVar (database versions not stated): gnomAD exomes below 0.00001; TOPMed 0.00001.
gnomAD v4.1: 1 of 1,614,134 alleles (0.000062%); highest among the groups gnomAD compares: Non-Finnish European, 0.000085%; no homozygotes.

Submission:

Labcorp Genetics (formerly Invitae), Labcorp
Classification: Uncertain significance for Hypertrophic cardiomyopathy. Last evaluated: 2022-01-19. Review status: criteria provided, single submitter. Criteria: Invitae Variant Classification Sherloc (09022015). Collection method: clinical testing. Allele origin: germline.
Comment: In summary, the available evidence is currently insufficient to determine the role of this variant in disease. Therefore, it has been classified as a Variant of Uncertain Significance. Variants that disrupt the consensus splice site are a relatively common cause of aberrant splicing (PMID: 17576681, 9536098). Algorithms developed to predict the effect of sequence changes on RNA splicing suggest that this variant may disrupt the consensus splice site. Algorithms developed to predict the effect of missense changes on protein structure and function (SIFT, PolyPhen-2, Align-GVGD) all suggest that this variant is likely to be disruptive. This variant has not been reported in the literature in individuals affected with MYL3-related conditions. This variant is not present in population databases (gnomAD no frequency). This sequence change replaces glycine, which is neutral and non-polar, with serine, which is neutral and polar, at codon 161 of the MYL3 protein (p.Gly161Ser). This variant also falls at the last nucleotide of exon 4, which is part of the consensus splice site for this exon.

Literature cited by the submitters: PubMed 17576681; PubMed 9536098.